The following is an entry in ClinVar:

NM_001253697.2(ERBIN):c.3497G>A (p.Arg1166Gln)

Gene: ERBIN (erbb2 interacting protein; plus strand). Cytogenetic location: 5q12.3.
Variant type: single nucleotide variant.
Coding change: c.3497G>A on transcript NM_001253697.2 (MANE Select); coding-DNA position 3497, G replaced by A.
Protein change: p.Arg1166Gln; replaces arginine 1166 with glutamine.
Molecular consequence: missense variant.
Genome position (GRCh38, 1-based): chr5:66,054,815, G>A. VCF-style: chr5-66054815-G-A. GRCh37 (hg19) VCF-style: chr5-65350643-G-A.
Other names: c.3497G>A, p.Arg1166Gln (NM_001006600.3, NM_001253698.2, NM_001253699.2 and 1 more transcripts); c.3485G>A, p.Arg1162Gln (NM_001253701.2); c.3497G>A (NM_018695.2); short protein forms R1162Q, R1166Q.
Identifiers: ClinVar variation 2172948 (VCV002172948.5), dbSNP rs758322797, ClinGen allele CA3286666.

ClinVar aggregate classification (germline): Uncertain significance. Review status: criteria provided, multiple submitters, no conflicts (2 of 4 stars). 2 submissions from 2 submitters: Uncertain significance (2). Last evaluated 2025-10-12.

Allele frequency attached by ClinVar (database versions not stated): gnomAD exomes 0.00002; ExAC 0.00004.
gnomAD v4.1: 29 of 1,613,896 alleles (0.0018%); highest among the groups gnomAD compares: South Asian, 0.018%; no homozygotes.

Submissions (2):

Labcorp Genetics (formerly Invitae), Labcorp
Classification: Uncertain significance. Last evaluated: 2025-10-12. Review status: criteria provided, single submitter. Criteria: Invitae Variant Classification Sherloc (09022015). Collection method: clinical testing. Allele origin: germline.
Comment: This sequence change replaces arginine, which is basic and polar, with glutamine, which is neutral and polar, at codon 1166 of the ERBIN protein (p.Arg1166Gln). This variant is present in population databases (rs758322797, gnomAD 0.02%). This variant has not been reported in the literature in individuals affected with ERBIN-related conditions. ClinVar contains an entry for this variant (Variation ID: 2172948). An algorithm developed to predict the effect of missense changes on protein structure and function (PolyPhen-2) suggests that this variant is likely to be disruptive. In summary, the available evidence is currently insufficient to determine the role of this variant in disease. Therefore, it has been classified as a Variant of Uncertain Significance.

Ambry Genetics
Classification: Uncertain significance. Last evaluated: 2021-08-23. Review status: criteria provided, single submitter. Criteria: Ambry Variant Classification Scheme 2023. Collection method: clinical testing. Allele origin: germline.